The following is an entry in ClinVar:

NM_000179.3(MSH6):c.1406delinsTG (p.Tyr469fs)

Gene: MSH6 (mutS homolog 6; plus strand). Cytogenetic location: 2p16.3.
Variant type: Indel.
Coding change: c.1406delinsTG on transcript NM_000179.3 (MANE Select); coding-DNA position 1406, A replaced by TG.
Protein change: p.Tyr469fs; shifts the reading frame from tyrosine 469.
Molecular consequence: frameshift variant. On other transcripts: non-coding transcript variant (4), intron variant (1).
Genome position (GRCh38, 1-based): chr2:47,799,389, A replaced by TG. VCF-style: chr2-47799389-A-TG. GRCh37 (hg19) VCF-style: chr2-48026528-A-TG.
Other names: c.1016delinsTG, p.Tyr339fs (NM_001281492.2); c.500delinsTG, p.Tyr167fs (NM_001281493.2, NM_001281494.2, NM_001406811.1 and 6 more transcripts); c.1502delinsTG, p.Tyr501fs (NM_001406795.1, NM_001406802.1); c.1406delinsTG, p.Tyr469fs (NM_001406796.1, NM_001406798.1, NM_001406800.1 and 4 more transcripts); c.1109delinsTG, p.Tyr370fs (NM_001406797.1, NM_001406801.1, NM_001406805.1 and 10 more transcripts); c.881delinsTG, p.Tyr294fs (NM_001406799.1, NM_001406806.1, NM_001406807.1); c.1328delinsTG, p.Tyr443fs (NM_001406804.1); c.1412delinsTG, p.Tyr471fs (NM_001406813.1); and 2 more; short protein forms Y167fs, Y294fs, Y339fs, Y370fs, Y413fs, Y443fs, Y469fs, Y471fs.
Identifiers: ClinVar variation 2673792 (VCV002673792.1), dbSNP rs2530607734, ClinGen allele CA2695200575.

ClinVar aggregate classification (germline): Pathogenic (1 of 4 stars; one submission).

Conditions:
Lynch syndrome 5 (LYNCH5). Also called: Colorectal cancer, hereditary nonpolyposis, type 5; Hereditary non-polyposis colorectal cancer, type 5. Identifiers: Orphanet 144, MedGen C1833477, MONDO:0013710, OMIM 614350. Disease mechanism: loss of function.

Submission:

Myriad Genetics, Inc.
Classification: Pathogenic for Lynch syndrome 5. Last evaluated: 2023-08-14. Review status: criteria provided, single submitter. Criteria: Myriad Autosomal Dominant, Autosomal Recessive and X-Linked Classification Criteria (2023). Collection method: clinical testing. Allele origin: unknown.
Comment: This variant is considered pathogenic. This variant creates a frameshift predicted to result in premature protein truncation.